The following is an entry in ClinVar:

ClinVar aggregate classification (germline): Likely benign (1 of 4 stars; one submission).

Conditions:
NCAPD3-related disorder. Also called: NCAPD3-related condition.

Allele frequency attached by ClinVar (database versions not stated): TOPMed 0.00002; gnomAD exomes 0.00009; ESP Exome Variant Server 0.00015; ExAC 0.00017; gnomAD 0.00019.
gnomAD v4.1: 163 of 1,613,278 alleles (0.01%); highest among the groups gnomAD compares: South Asian, 0.0022%; no homozygotes.

Submission:

PreventionGenetics, part of Exact Sciences
Classification: Likely benign for NCAPD3-related condition. Last evaluated: 2019-07-10. Review status: criteria provided, single submitter. Criteria: ACMG Guidelines, 2015. Collection method: clinical testing. Allele origin: germline.
Comment: This variant is classified as likely benign based on ACMG/AMP sequence variant interpretation guidelines (Richards et al. 2015 PMID: 25741868, with internal and published modifications).

NM_015261.3(NCAPD3):c.3573+3G>A

Gene: NCAPD3 (non-SMC condensin II complex subunit D3; minus strand). Cytogenetic location: 11q25.
Variant type: single nucleotide variant.
Coding change: c.3573+3G>A on transcript NM_015261.3 (MANE Select); 3 bases into the intron after coding-DNA position 3573, G replaced by A.
Molecular consequence: intron variant.
Genome position (GRCh38, 1-based): chr11:134,167,993, C>T on the plus strand (G>A on the coding strand, the complement: NCAPD3 is on the minus strand). VCF-style: chr11-134167993-C-T. GRCh37 (hg19) VCF-style: chr11-134037888-C-T.
Other names: c.3159+3G>A (NM_001372070.1, NM_001372069.1); c.3573+3G>A (NM_001372065.1, NM_001372068.1).
Identifiers: ClinVar variation 3049877 (VCV003049877.1), dbSNP rs374442681, ClinGen allele CA6370803.
Genomic context (GRCh38, chr11:134,167,993, plus strand): 5'-TGAGCTTAGGGGAGCAGCACACTCACTTGTGAGAAGATGATCTTAGGGGAGCAACACACT[C>T]ACTTGTGAGATGAGCTTCTTCTGAGCTTCCTGCATGACTACATTTGCCAAGGCCATGTCA-3'